The following is an entry in ClinVar:

NM_144997.7(FLCN):c.467T>A (p.Phe156Tyr)

Gene: FLCN (folliculin; minus strand). Cytogenetic location: 17p11.2.
Variant type: single nucleotide variant.
Coding change: c.467T>A on transcript NM_144997.7 (MANE Select); coding-DNA position 467, T replaced by A.
Protein change: p.Phe156Tyr; replaces phenylalanine 156 with tyrosine.
Molecular consequence: missense variant.
Genome position (GRCh38, 1-based): chr17:17,224,073, A>T on the plus strand (T>A on the coding strand, the complement: FLCN is on the minus strand). VCF-style: chr17-17224073-A-T. GRCh37 (hg19) VCF-style: chr17-17127387-A-T.
Other names: c.521T>A, p.Phe174Tyr (NM_001353229.2); c.467T>A, p.Phe156Tyr (NM_001353230.2, NM_001353231.2, NM_144606.7); short protein forms F156Y, F174Y.
Identifiers: ClinVar variation 4743596 (VCV004743596.2).
Genomic context (GRCh38, chr17:17,224,073, plus strand): 5'-ATGATGGTGATGATGCTGTACCAGCGCTGGAAGCCCCTGGCCAGGCTGTCCTTGATGAAG[A>T]AGGTGTGGCTGAACACAAAGCCGTGCTGCTCATCTCCGAAGAAGATGGGGCCTTCACGGC-3'
Protein context (NP_659434.2, residues 146-166): EQHGFVFSHT[Phe156Tyr]FIKDSLARGF

ClinVar aggregate classification (germline): Uncertain significance. Review status: criteria provided, multiple submitters, no conflicts (2 of 4 stars). 2 submissions from 2 submitters: Uncertain significance (2). Last evaluated 2026-03-15.

Conditions:
Birt-Hogg-Dube syndrome. Also called: Birt Hogg Dubé syndrome. Identifiers: Orphanet 122, MedGen C0346010, MONDO:0800444.
Hereditary cancer-predisposing syndrome. Also called: Neoplastic Syndromes, Hereditary; Tumor predisposition; Hereditary Cancer Syndrome; Hereditary neoplastic syndrome. Identifiers: Orphanet 140162, MedGen C0027672, MeSH D009386, MONDO:0015356.

Submissions (2):

Ambry Genetics
Classification: Uncertain significance for Hereditary cancer-predisposing syndrome. Last evaluated: 2026-03-15. Review status: criteria provided, single submitter. Criteria: Ambry Variant Classification Scheme 2023. Collection method: clinical testing. Allele origin: germline.
Comment: The p.F156Y variant (also known as c.467T>A), located in coding exon 3 of the FLCN gene, results from a T to A substitution at nucleotide position 467. The phenylalanine at codon 156 is replaced by tyrosine, an amino acid with highly similar properties. This amino acid position is conserved. In addition, this alteration is predicted to be deleterious by in silico analysis. Based on the available evidence, the clinical significance of this variant remains unclear.

Labcorp Genetics (formerly Invitae), Labcorp
Classification: Uncertain significance for Birt-Hogg-Dube syndrome. Last evaluated: 2025-06-07. Review status: criteria provided, single submitter. Criteria: Invitae Variant Classification Sherloc (09022015). Collection method: clinical testing. Allele origin: germline.
Comment: This sequence change replaces phenylalanine, which is neutral and non-polar, with tyrosine, which is neutral and polar, at codon 156 of the FLCN protein (p.Phe156Tyr). This variant is not present in population databases (gnomAD no frequency). This variant has not been reported in the literature in individuals affected with FLCN-related conditions. Invitae Evidence Modeling of protein sequence and biophysical properties (such as structural, functional, and spatial information, amino acid conservation, physicochemical variation, residue mobility, and thermodynamic stability) indicates that this missense variant is expected to disrupt FLCN protein function with a positive predictive value of 80%. In summary, the available evidence is currently insufficient to determine the role of this variant in disease. Therefore, it has been classified as a Variant of Uncertain Significance.